The following is an entry in ClinVar:

ClinVar aggregate classification (germline): Pathogenic (1 of 4 stars; one submission).

Conditions:
Marfan syndrome (MFS). Also called: MARFAN SYNDROME, TYPE I; FBN1-Related Marfan Syndrome; Marfan syndrome type 1; Marfan's syndrome; Marfan syndrome, classic. Identifiers: Orphanet 284963, Orphanet 558, MedGen C0024796, MONDO:0007947, OMIM 154700.
Familial thoracic aortic aneurysm and aortic dissection (TAAD). Also called: Thoracic aortic aneurysms and dissections. Identifiers: Orphanet 91387, MedGen C4707243, MONDO:0019625.

Submission:

Labcorp Genetics (formerly Invitae), Labcorp
Classification: Pathogenic for Marfan syndrome; Familial thoracic aortic aneurysm and aortic dissection. Last evaluated: 2022-09-09. Review status: criteria provided, single submitter. Criteria: Invitae Variant Classification Sherloc (09022015). Collection method: clinical testing. Allele origin: germline.
Comment: For these reasons, this variant has been classified as Pathogenic. This variant has not been reported in the literature in individuals affected with FBN1-related conditions. This variant is a gross deletion of the genomic region encompassing exon(s) 2-18 of the FBN1 gene, which includes the initiator codon. This deletion extends beyond the assayed region for this gene and therefore may encompass additional genes. It is expected to result in an absent or disrupted protein product. Loss-of-function variants in FBN1 are known to be pathogenic (PMID: 17657824, 19293843).

Literature cited by the submitters: PubMed 17657824; PubMed 19293843.

NC_000015.9:g.(?_48791162)_(48936966_?)del

Gene: FBN1 (fibrillin 1; minus strand). Cytogenetic location: 15q21.1.
Variant type: Deletion.
Identifiers: ClinVar variation 2422443 (VCV002422443.4).